The following is an entry in ClinVar:

NM_003742.4(ABCB11):c.912T>G (p.Tyr304Ter)

Gene: ABCB11 (ATP binding cassette subfamily B member 11; minus strand). Cytogenetic location: 2q31.1.
Variant type: single nucleotide variant.
Coding change: c.912T>G on transcript NM_003742.4 (MANE Select); coding-DNA position 912, T replaced by G.
Protein change: p.Tyr304Ter; replaces tyrosine 304 with a stop codon.
Molecular consequence: nonsense.
Genome position (GRCh38, 1-based): chr2:168,986,281, A>C on the plus strand (T>G on the coding strand, the complement: ABCB11 is on the minus strand). VCF-style: chr2-168986281-A-C. GRCh37 (hg19) VCF-style: chr2-169842791-A-C.
Other names: short protein forms Y304*.
Identifiers: ClinVar variation 4846227 (VCV004846227.1).

ClinVar aggregate classification (germline): Pathogenic (1 of 4 stars; one submission).

Conditions:
Familial intrahepatic cholestasis. Identifiers: Orphanet 284385, MedGen CN296401, MONDO:0017290.

Submission:

Genomenon, Inc
Classification: Pathogenic for Familial intrahepatic cholestasis. Last evaluated: 2026-04-14. Review status: criteria provided, single submitter. Criteria: Genomenon Sequence Variant Interpretation Standards - Updated. Collection method: curation. Allele origin: germline. Affected: yes.
Comment: ABCB11 p.Tyr304Ter (c.912T>G) is a nonsense variant that introduces a premature stop codon at amino acid position 304, creating a truncated protein that is predicted to undergo nonsense-mediated mRNA decay. This variant has been observed in at least one proband with an ABCB11-related disorder (PMID:26678486). It is absent or not present at a significant frequency in gnomAD. In conclusion, we classify ABCB11 p.Tyr304Ter (c.912T>G) as a pathogenic variant.

Literature cited by the submitters: PubMed 26678486.